The following is an entry in ClinVar:

NM_000051.4(ATM):c.548A>C (p.His183Pro)

Gene: ATM (ATM serine/threonine kinase; plus strand). Cytogenetic location: 11q22.3.
Variant type: single nucleotide variant.
Coding change: c.548A>C on transcript NM_000051.4 (MANE Select); coding-DNA position 548, A replaced by C.
Protein change: p.His183Pro; replaces histidine 183 with proline.
Molecular consequence: missense variant.
Genome position (GRCh38, 1-based): chr11:108,244,004, A>C. VCF-style: chr11-108244004-A-C. GRCh37 (hg19) VCF-style: chr11-108114731-A-C.
Other names: c.548A>C, p.His183Pro (NM_001351834.2); short protein forms H183P.
Identifiers: ClinVar variation 188329 (VCV000188329.42), dbSNP rs786204219, ClinGen allele CA334627.

ClinVar aggregate classification (germline): Uncertain significance. Review status: criteria provided, multiple submitters, no conflicts (2 of 4 stars). 6 submissions from 6 submitters: Uncertain significance (5). 1 of the submissions does not count toward it. Last evaluated 2024-12-12.

Conditions:
Hereditary cancer-predisposing syndrome. Also called: Tumor predisposition; Neoplastic Syndromes, Hereditary; Hereditary Cancer Syndrome; Hereditary neoplastic syndrome. Identifiers: Orphanet 140162, MedGen C0027672, MeSH D009386, MONDO:0015356.
Ataxia-telangiectasia syndrome (AT). Also called: LOUIS-BAR SYNDROME; Ataxia-telangiectasia, complementation group D; Ataxia telangiectasia (A-T); AT, COMPLEMENTATION GROUP C; ATAXIA-TELANGIECTASIA, COMPLEMENTATION GROUP A; ATAXIA-TELANGIECTASIA, FRESNO VARIANT. Identifiers: Orphanet 100, MedGen C0004135, MONDO:0008840, OMIM 208900.
Familial cancer of breast. Also called: hereditary breast carcinoma; BREAST CANCER, FAMILIAL; Hereditary breast cancer. Identifiers: Orphanet 227535, MedGen C0346153, MONDO:0016419, OMIM 114480. Disease mechanism: loss of function.

Submissions (6):

Labcorp Genetics (formerly Invitae), Labcorp
Classification: Uncertain significance for Ataxia-telangiectasia syndrome. Last evaluated: 2024-12-12. Review status: criteria provided, single submitter. Criteria: Invitae Variant Classification Sherloc (09022015). Collection method: clinical testing. Allele origin: germline.
Comment: This sequence change replaces histidine, which is basic and polar, with proline, which is neutral and non-polar, at codon 183 of the ATM protein (p.His183Pro). This variant is not present in population databases (gnomAD no frequency). This variant has not been reported in the literature in individuals affected with ATM-related conditions. ClinVar contains an entry for this variant (Variation ID: 188329). Invitae Evidence Modeling of protein sequence and biophysical properties (such as structural, functional, and spatial information, amino acid conservation, physicochemical variation, residue mobility, and thermodynamic stability) indicates that this missense variant is not expected to disrupt ATM protein function with a negative predictive value of 95%. In summary, the available evidence is currently insufficient to determine the role of this variant in disease. Therefore, it has been classified as a Variant of Uncertain Significance.

Ambry Genetics
Classification: Uncertain significance for Hereditary cancer-predisposing syndrome. Last evaluated: 2024-09-03. Review status: criteria provided, single submitter. Criteria: Ambry Variant Classification Scheme 2023. Collection method: clinical testing. Allele origin: germline.
Comment: The p.H183P variant (also known as c.548A>C), located in coding exon 5 of the ATM gene, results from an A to C substitution at nucleotide position 548. The histidine at codon 183 is replaced by proline, an amino acid with similar properties. This amino acid position is poorly conserved in available vertebrate species. In addition, this alteration is predicted to be tolerated by in silico analysis. Based on the available evidence, the clinical significance of this variant remains unclear.

Baylor Genetics
Classification: Uncertain significance for Familial cancer of breast. Last evaluated: 2024-03-27. Review status: criteria provided, single submitter. Criteria: ACMG Guidelines, 2015. Collection method: clinical testing. Allele origin: unknown.

Color Diagnostics, LLC DBA Color Health
Classification: Uncertain significance for Hereditary cancer-predisposing syndrome. Last evaluated: 2024-03-06. Review status: criteria provided, single submitter. Criteria: ACMG Guidelines, 2015. Collection method: clinical testing. Allele origin: germline.
Comment: This missense variant replaces histidine with proline at codon 183 of the ATM protein. Computational prediction suggests that this variant may not impact protein structure and function (internally defined REVEL score threshold <= 0.5, PMID: 27666373). To our knowledge, functional studies have not been reported for this variant. This variant has not been reported in individuals affected with hereditary cancer in the literature. This variant has not been identified in the general population by the Genome Aggregation Database (gnomAD). The available evidence is insufficient to determine the role of this variant in disease conclusively. Therefore, this variant is classified as a Variant of Uncertain Significance.

CeGaT Center for Human Genetics Tuebingen
Classification: Uncertain significance. Last evaluated: 2022-05-01. Review status: criteria provided, single submitter. Criteria: CeGaT Center For Human Genetics Tuebingen Variant Classification Criteria Version 2. Collection method: clinical testing. Allele origin: germline. Affected: yes. Observed: 1 variant allele.
Comment: ATM: PM2, BP4

Natera, Inc.
Classification: Uncertain significance for Ataxia-telangiectasia. Last evaluated: 2020-09-16. Review status: no assertion criteria provided. Collection method: clinical testing. Allele origin: germline. Not counted in ClinVar's aggregate classification.